The following is an entry in ClinVar:

NM_017636.4(TRPM4):c.1A>G (p.Met1Val)

Gene: TRPM4 (transient receptor potential cation channel subfamily M member 4; plus strand). Cytogenetic location: 19q13.33.
Variant type: single nucleotide variant.
Coding change: c.1A>G on transcript NM_017636.4 (MANE Select); coding-DNA position 1, A replaced by G.
Protein change: p.Met1Val; changes the start codon (methionine 1).
Molecular consequence: missense variant, initiator codon variant. On other transcripts: 5 prime UTR variant (3).
Genome position (GRCh38, 1-based): chr19:49,157,867, A>G. VCF-style: chr19-49157867-A-G. GRCh37 (hg19) VCF-style: chr19-49661124-A-G.
Other names: c.1A>G, p.Met1Val (NM_001195227.2, NM_001321281.2); c.-1372A>G (NM_001321282.2); c.-166A>G (NM_001321283.2); c.-329A>G (NM_001321285.2); short protein forms M1V.
Identifiers: ClinVar variation 894213 (VCV000894213.13), dbSNP rs969064041, ClinGen allele CA309424812.

ClinVar aggregate classification (germline): Uncertain significance. Review status: criteria provided, multiple submitters, no conflicts (2 of 4 stars). 2 submissions from 2 submitters: Uncertain significance (2). Last evaluated 2020-06-28.

Conditions:
Progressive familial heart block type IB (PFHB1B). Identifiers: Orphanet 871, MedGen C1970298, MONDO:0011474, OMIM 604559.

Allele frequency attached by ClinVar (database versions not stated): gnomAD exomes 0.00001.

Submissions (2):

Labcorp Genetics (formerly Invitae), Labcorp
Classification: Uncertain significance for Progressive familial heart block type IB. Last evaluated: 2020-06-28. Review status: criteria provided, single submitter. Criteria: Invitae Variant Classification Sherloc (09022015). Collection method: clinical testing. Allele origin: germline.
Comment: In summary, the available evidence is currently insufficient to determine the role of this variant in disease. Therefore, it has been classified as a Variant of Uncertain Significance. Experimental studies and prediction algorithms are not available or were not evaluated, and the functional significance of this variant is currently unknown. This variant has not been reported in the literature in individuals with TRPM4-related conditions. The frequency data for this variant in the population databases is considered unreliable, as metrics indicate insufficient coverage at this position in the ExAC database. This sequence change affects the initiator methionine of the TRPM4 mRNA. The next in-frame methionine is located at codon 49.

Illumina Laboratory Services, Illumina
Classification: Uncertain significance for Progressive familial heart block type IB. Last evaluated: 2018-01-12. Review status: criteria provided, single submitter. Criteria: ICSL Variant Classification Criteria 13 December 2019. Collection method: clinical testing. Allele origin: germline.